The following is an entry in ClinVar:

NM_004100.5(EYA4):c.943T>A (p.Ser315Thr)

Gene: EYA4 (EYA transcriptional coactivator and phosphatase 4; plus strand). Cytogenetic location: 6q23.2.
Variant type: single nucleotide variant.
Coding change: c.943T>A on transcript NM_004100.5 (MANE Select); coding-DNA position 943, T replaced by A.
Protein change: p.Ser315Thr; replaces serine 315 with threonine.
Molecular consequence: missense variant.
Genome position (GRCh38, 1-based): chr6:133,468,704, T>A. VCF-style: chr6-133468704-T-A. GRCh37 (hg19) VCF-style: chr6-133789842-T-A.
Other names: c.781T>A, p.Ser261Thr (NM_001301012.2, NM_001370459.1); c.943T>A, p.Ser315Thr (NM_001301013.2, NM_172105.4); c.874T>A, p.Ser292Thr (NM_001370458.1, NM_172103.4); short protein forms S315T, S261T, S292T.
Identifiers: ClinVar variation 2873506 (VCV002873506.3), dbSNP rs2534671451, ClinGen allele CA365703866.
Genomic context (GRCh38, chr6:133,468,704, plus strand): 5'-ACATCGAATAACACAGCCGATGGCACACCCTCTTCAACCTCTACTTATCAGTTGCAGGAA[T>A]CTCTCCCAGGACTGACTAACCAACCAGGTACAGATCTTCACCCAGGTGAAATACTTTTAT-3'
Protein context (NP_004091.3, residues 305-325): SSTSTYQLQE[Ser315Thr]LPGLTNQPGE

ClinVar aggregate classification (germline): Uncertain significance (1 of 4 stars; one submission).

Conditions:
Dilated cardiomyopathy 1J (CMD1J). Also called: CARDIOMYOPATHY, DILATED, WITH SENSORINEURAL HEARING LOSS, AUTOSOMAL DOMINANT. Identifiers: Orphanet 217622, MedGen C1854368, MONDO:0011541, OMIM 605362.

Allele frequency attached by ClinVar (database versions not stated): gnomAD exomes below 0.00001.
gnomAD v4.1: 1 of 1,613,120 alleles (0.000062%); highest among the groups gnomAD compares: Non-Finnish European, 0.000085%; no homozygotes.

Submission:

Labcorp Genetics (formerly Invitae), Labcorp
Classification: Uncertain significance for Dilated cardiomyopathy 1J. Last evaluated: 2024-07-30. Review status: criteria provided, single submitter. Criteria: Invitae Variant Classification Sherloc (09022015). Collection method: clinical testing. Allele origin: germline.
Comment: This sequence change replaces serine, which is neutral and polar, with threonine, which is neutral and polar, at codon 315 of the EYA4 protein (p.Ser315Thr). This variant is not present in population databases (gnomAD no frequency). This variant has not been reported in the literature in individuals affected with EYA4-related conditions. Advanced modeling of protein sequence and biophysical properties (such as structural, functional, and spatial information, amino acid conservation, physicochemical variation, residue mobility, and thermodynamic stability) performed at Invitae indicates that this missense variant is not expected to disrupt EYA4 protein function with a negative predictive value of 80%. In summary, the available evidence is currently insufficient to determine the role of this variant in disease. Therefore, it has been classified as a Variant of Uncertain Significance.